The following is an entry in ClinVar:

NM_032638.5(GATA2):c.1300G>A (p.Ala434Thr)

Gene: GATA2 (GATA binding protein 2; minus strand). Cytogenetic location: 3q21.3.
Variant type: single nucleotide variant.
Coding change: c.1300G>A on transcript NM_032638.5 (MANE Select); coding-DNA position 1300, G replaced by A.
Protein change: p.Ala434Thr; replaces alanine 434 with threonine.
Molecular consequence: missense variant.
Genome position (GRCh38, 1-based): chr3:128,481,162, C>T on the plus strand (G>A on the coding strand, the complement: GATA2 is on the minus strand). VCF-style: chr3-128481162-C-T. GRCh37 (hg19) VCF-style: chr3-128200005-C-T.
Other names: c.1300G>A, p.Ala434Thr (NM_001145661.2); c.1258G>A, p.Ala420Thr (NM_001145662.1); short protein forms A420T, A434T.
Identifiers: ClinVar variation 2946115 (VCV002946115.3), dbSNP rs1576744335, ClinGen allele CA354412820.

ClinVar aggregate classification (germline): Uncertain significance (1 of 4 stars; one submission).

Conditions:
Deafness-lymphedema-leukemia syndrome. Also called: Lymphedema, primary, with myelodysplasia; Emberger syndrome. Identifiers: Orphanet 3226, MedGen C3279664, MONDO:0013540, OMIM 614038.
Monocytopenia with susceptibility to infections. Also called: MONOCYTOPENIA AND MYCOBACTERIAL INFECTION SYNDROME; MONOCYTOPENIA WITH SUSCEPTIBILITY TO MYCOBACTERIAL, FUNGAL, AND PAPILLOMAVIRUS INFECTIONS AND MYELODYSPLASIA; COMBINED IMMUNODEFICIENCY WITH SUSCEPTIBILITY TO MYCOBACTERIAL, VIRAL, AND FUNGAL INFECTIONS; Dendritic cell, monocyte, B lymphocyte, and natural killer lymphocyte deficiency; IMMUNODEFICIENCY 21; GATA2 DEFICIENCY. Identifiers: Orphanet 228423, MedGen C3280030, MONDO:0013607, OMIM 614172.

Submission:

Labcorp Genetics (formerly Invitae), Labcorp
Classification: Uncertain significance for Monocytopenia with susceptibility to infections; Deafness-lymphedema-leukemia syndrome. Last evaluated: 2023-04-04. Review status: criteria provided, single submitter. Criteria: Invitae Variant Classification Sherloc (09022015). Collection method: clinical testing. Allele origin: germline.
Comment: This variant is not present in population databases (gnomAD no frequency). This variant has not been reported in the literature in individuals affected with GATA2-related conditions. Advanced modeling of protein sequence and biophysical properties (such as structural, functional, and spatial information, amino acid conservation, physicochemical variation, residue mobility, and thermodynamic stability) performed at Invitae indicates that this missense variant is not expected to disrupt GATA2 protein function. In summary, the available evidence is currently insufficient to determine the role of this variant in disease. Therefore, it has been classified as a Variant of Uncertain Significance. This sequence change replaces alanine, which is neutral and non-polar, with threonine, which is neutral and polar, at codon 434 of the GATA2 protein (p.Ala434Thr).